The following is an entry in ClinVar:

NM_004646.4(NPHS1):c.1758-11C>G

Gene: NPHS1 (NPHS1 adhesion molecule, nephrin; minus strand). Cytogenetic location: 19q13.12.
Variant type: single nucleotide variant.
Coding change: c.1758-11C>G on transcript NM_004646.4 (MANE Select); 11 bases into the intron before coding-DNA position 1758, C replaced by G.
Molecular consequence: intron variant.
Genome position (GRCh38, 1-based): chr19:35,845,551, G>C on the plus strand (C>G on the coding strand, the complement: NPHS1 is on the minus strand). VCF-style: chr19-35845551-G-C. GRCh37 (hg19) VCF-style: chr19-36336453-G-C.
Identifiers: ClinVar variation 328868 (VCV000328868.31), dbSNP rs145554982, ClinGen allele CA9390332.

ClinVar aggregate classification (germline): Conflicting classifications of pathogenicity. Review status: criteria provided, conflicting classifications (1 of 4 stars). 5 submissions from 5 submitters: Uncertain significance (1); Benign (2); Likely benign (2). Last evaluated 2026-01-28.

Conditions:
Congenital nephrotic syndrome. Also called: Familial nephrotic syndrome. Identifiers: MedGen C3501848, MeSH C535761, MONDO:0002350, HP:0008677.

Allele frequency attached by ClinVar (database versions not stated): ESP Exome Variant Server 0.00313; 1000 Genomes Project 30x 0.00344; 1000 Genomes Project 0.00399; TOPMed 0.00474; gnomAD 0.00770 and 0.00802.
gnomAD v4.1: 14,233 of 1,611,298 alleles (0.88%); highest among the groups gnomAD compares: Non-Finnish European, 0.95%; 109 homozygotes.

Submissions (6):

Labcorp Genetics (formerly Invitae), Labcorp
Classification: Benign. Last evaluated: 2026-01-28. Review status: criteria provided, single submitter. Criteria: Invitae Variant Classification Sherloc (09022015). Collection method: clinical testing. Allele origin: germline.

CeGaT Center for Human Genetics Tuebingen
Classification: Likely benign. Last evaluated: 2025-08-01. Review status: criteria provided, single submitter. Criteria: CeGaT Center For Human Genetics Tuebingen Variant Classification Criteria Version 2. Collection method: clinical testing. Allele origin: germline. Affected: yes. Observed: 3 variant alleles.
Comment: NPHS1: BS2

Blueprint Genetics
Classification: Likely benign. Last evaluated: 2024-11-21. Review status: criteria provided, single submitter. Criteria: ACMG Guidelines, 2015. Collection method: clinical testing. Allele origin: germline.

Illumina Laboratory Services, Illumina
Classification: Uncertain significance for Congenital nephrotic syndrome. Last evaluated: 2018-01-12. Review status: criteria provided, single submitter. Criteria: ICSL Variant Classification Criteria 13 December 2019. Collection method: clinical testing. Allele origin: germline.

Women's Health and Genetics/Laboratory Corporation of America, LabCorp
Classification: Benign. Last evaluated: 2017-05-15. Review status: criteria provided, single submitter. Criteria: LabCorp Variant Classification Summary - May 2015. Collection method: clinical testing. Allele origin: germline.
Comment: Variant summary: The NPHS1 c.1758-11C>G variant involves the alteration of a non-conserved nucleotide in the intronic region . One in silico tool predicts a benign outcome for this variant. 3/5 splice prediction tools predict no significant impact on normal splicing. This variant was found in 649/102412 control chromosomes (1 homozygote), predominantly observed in the European (Finnish) subpopulation at a frequency of 0.035667 (160/4486). This frequency is about 9 times the estimated maximal expected allele frequency of a pathogenic NPHS1 variant in Finnish population (0.0039, see calculation in additional comments), suggesting this is likely a benign polymorphism found primarily in the populations of European (Finnish) origin. Although one other clinical diagnostic laboratory classified this variant as uncertain significance, multiple lines of evidence support neutrality of this variant. Therefore, this variant is classified as benign.

Dr. Peter K. Rogan Lab, Western University
No classification provided (evidence only). Condition: Gastric cancer. Review status: no classification provided. Collection method: in vitro. Allele origin: not applicable. Functional consequence: retained intron. Not counted in ClinVar's aggregate classification.

Literature cited by the submitters: PubMed 26248470 (cited by Women's Health and Genetics/Laboratory Corporation of America, LabCorp).